The following is an entry in ClinVar:

NM_031307.4(PUS3):c.320dup (p.Thr108fs)

Genes: HYLS1 (HYLS1 centriolar and ciliogenesis associated; plus strand), PUS3 (pseudouridine synthase 3; minus strand). Cytogenetic location: 11q24.2.
Variant type: Duplication.
Coding change: c.320dup on transcript NM_031307.4 (MANE Select); coding-DNA position 320, one base duplicated (A; older notation c.320dupA).
Protein change: p.Thr108fs; shifts the reading frame from threonine 108.
Molecular consequence: frameshift variant. On other transcripts: intron variant (7).
Genome position (GRCh38, 1-based): chr11:125,895,965, T duplicated on the plus strand (A on the coding strand, the reverse complement: PUS3 is on the minus strand). VCF-style (leftmost placement, unchanged base first): chr11-125895964-C-CT. GRCh37 (hg19) VCF-style: chr11-125765859-C-CT.
Other names: c.320dup, p.Thr108fs (NM_001441237.1, NM_001441239.1, NM_001441240.1 and 1 more transcripts); c.-80-3139dup (NM_145014.3); c.-25-3379dup (NM_001134793.2, NM_001377269.1); c.-22-3382dup (NM_001424364.1, NM_001377270.1); c.-246-176dup (NM_001271985.2, NM_001441238.1); c.320dupA (NM_031307.4); short protein forms T108fs.
Identifiers: ClinVar variation 4845933 (VCV004845933.1).
Genomic context (GRCh38, chr11:125,895,964, plus strand): 5'-TACCTGTCCAAAGGCACTAACTCCTTTATCTGTTCTCCCACATCGGTGATAGTTGGATGT[C>CT]TGTCTGCTTTCTACTAGTCGAGTCTTGGTTAGAGCTTCAAACAGTTTCTCTTCAATGGTA-3'

ClinVar aggregate classification (germline): Likely pathogenic (1 of 4 stars; one submission).

Conditions:
Severe growth deficiency-strabismus-extensive dermal melanocytosis-intellectual disability syndrome (NEDMIGS). Also called: NEURODEVELOPMENTAL DISORDER WITH MICROCEPHALY AND GRAY SCLERAE. Identifiers: Orphanet 488627, MedGen C4310745, MONDO:0014886, OMIM 617051.

Submission:

First Genomix Gene Laboratory, Genetic Diagnostics Department
Classification: Likely pathogenic for Severe growth deficiency-strabismus-extensive dermal melanocytosis-intellectual disability syndrome. Last evaluated: 2025-04-30. Review status: criteria provided, single submitter. Criteria: ACMG Guidelines, 2015. Collection method: clinical testing. Allele origin: germline. Inheritance: Autosomal recessive inheritance. Affected: no. Observed: 1 variant allele.